The following is an entry in ClinVar:

NM_002860.4(ALDH18A1):c.1897A>G (p.Ile633Val)

Gene: ALDH18A1 (aldehyde dehydrogenase 18 family member A1; minus strand). Cytogenetic location: 10q24.1.
Variant type: single nucleotide variant.
Coding change: c.1897A>G on transcript NM_002860.4 (MANE Select); coding-DNA position 1897, A replaced by G.
Protein change: p.Ile633Val; replaces isoleucine 633 with valine.
Molecular consequence: missense variant.
Genome position (GRCh38, 1-based): chr10:95,613,768, T>C on the plus strand (A>G on the coding strand, the complement: ALDH18A1 is on the minus strand). VCF-style: chr10-95613768-T-C. GRCh37 (hg19) VCF-style: chr10-97373525-T-C.
Other names: c.1891A>G, p.Ile631Val (NM_001017423.2, NM_001323415.2); c.1564A>G, p.Ile522Val (NM_001323412.2, NM_001323416.2); c.1897A>G, p.Ile633Val (NM_001323413.2, NM_001323414.2); c.1792A>G, p.Ile598Val (NM_001323417.2); c.1558A>G, p.Ile520Val (NM_001323418.2); c.1261A>G, p.Ile421Val (NM_001323419.2); short protein forms I421V, I520V, I522V, I598V, I631V, I633V.
Identifiers: ClinVar variation 3750744 (VCV003750744.2).
Genomic context (GRCh38, chr10:95,613,768, plus strand): 5'-AGGAAGTAATGTACTAGTCCTATGGAACTCTTACCTGTTCCACTCTCAGCATATCAATGA[T>C]CTGGTCAAATAATGGTGTCCTGAGCAGATCCCGGTGGATTAACAAAGTCTCCAAAGCATT-3'
Protein context (NP_002851.2, residues 623-643): DLLRTPLFDQ[Ile633Val]IDMLRVEQVK

ClinVar aggregate classification (germline): Uncertain significance (1 of 4 stars; one submission).

Conditions:
Cutis laxa, autosomal dominant 3 (ADCL3). Identifiers: Orphanet 90348, MedGen C4225268, MONDO:0014706, OMIM 616603.
Autosomal dominant spastic paraplegia type 9. Identifiers: MedGen C1832669, MONDO:0015091.
de Barsy syndrome. Also called: Cutis laxa-corneal clouding-oligophrenia syndrome. Identifiers: Orphanet 2962, MedGen C0268354, MONDO:0017569.

gnomAD v4.1: 3 of 1,614,056 alleles (0.00019%); highest among the groups gnomAD compares: Non-Finnish European, 0.00025%; no homozygotes.

Submission:

Labcorp Genetics (formerly Invitae), Labcorp
Classification: Uncertain significance for Autosomal dominant spastic paraplegia type 9; de Barsy syndrome; Cutis laxa, autosomal dominant 3. Last evaluated: 2025-08-04. Review status: criteria provided, single submitter. Criteria: Invitae Variant Classification Sherloc (09022015). Collection method: clinical testing. Allele origin: germline.
Comment: This sequence change replaces isoleucine, which is neutral and non-polar, with valine, which is neutral and non-polar, at codon 633 of the ALDH18A1 protein (p.Ile633Val). This variant is not present in population databases (gnomAD no frequency). This variant has not been reported in the literature in individuals affected with ALDH18A1-related conditions. ClinVar contains an entry for this variant (Variation ID: 3750744). Invitae Evidence Modeling of protein sequence and biophysical properties (such as structural, functional, and spatial information, amino acid conservation, physicochemical variation, residue mobility, and thermodynamic stability) indicates that this missense variant is not expected to disrupt ALDH18A1 protein function with a negative predictive value of 95%. In summary, the available evidence is currently insufficient to determine the role of this variant in disease. Therefore, it has been classified as a Variant of Uncertain Significance.